The following is an entry in ClinVar:

ClinVar aggregate classification (germline): Likely benign (1 of 4 stars; one submission).

Submission:

CeGaT Center for Human Genetics Tuebingen
Classification: Likely benign. Last evaluated: 2025-02-01. Review status: criteria provided, single submitter. Criteria: CeGaT Center For Human Genetics Tuebingen Variant Classification Criteria Version 2. Collection method: clinical testing. Allele origin: germline. Affected: yes. Observed: 1 variant allele.
Comment: EIF3F: BP4, BP7

NM_003754.3(EIF3F):c.372C>T (p.Val124=)

Gene: EIF3F (eukaryotic translation initiation factor 3 subunit F; plus strand). Cytogenetic location: 11p15.4.
Variant type: single nucleotide variant.
Coding change: c.372C>T on transcript NM_003754.3 (MANE Select); coding-DNA position 372, C replaced by T.
Protein change: p.Val124=; no amino-acid change (valine 124 retained).
Molecular consequence: synonymous variant.
Genome position (GRCh38, 1-based): chr11:7,991,788, C>T. VCF-style: chr11-7991788-C-T. GRCh37 (hg19) VCF-style: chr11-8013335-C-T.
Identifiers: ClinVar variation 3771523 (VCV003771523.13).